The following is an entry in ClinVar:

NM_006531.5(IFT88):c.71A>G (p.Asn24Ser)

Gene: IFT88 (intraflagellar transport 88; plus strand). Cytogenetic location: 13q12.11.
Variant type: single nucleotide variant.
Coding change: c.71A>G on transcript NM_006531.5 (MANE Select); coding-DNA position 71, A replaced by G.
Protein change: p.Asn24Ser; replaces asparagine 24 with serine.
Molecular consequence: missense variant. On other transcripts: 5 prime UTR variant (1), non-coding transcript variant (5).
Genome position (GRCh38, 1-based): chr13:20,574,456, A>G. VCF-style: chr13-20574456-A-G. GRCh37 (hg19) VCF-style: chr13-21148595-A-G.
Other names: c.71A>G, p.Asn24Ser (NM_001318491.2, NM_001353568.2, NM_001353571.2 and 5 more transcripts); c.98A>G, p.Asn33Ser (NM_001318493.2, NM_001353565.2, NM_001353566.2 and 6 more transcripts); c.-493A>G (NM_001353579.2); c.98A>G (NM_175605.3); short protein forms N24S, N33S.
Identifiers: ClinVar variation 2902025 (VCV002902025.4), dbSNP rs1228511905, ClinGen allele CA387470922.
Genomic context (GRCh38, chr13:20,574,456, plus strand): 5'-ATGTGCACCTGGCTCCAGAGACAGATGAAGATGATCTTTATTCCGGCTATAATGACTACA[A>G]TCCAATCTATGATATCGAGGTAACAAAAGCTAGTTGTTTTTTACATTGGTCTTGGTTAAC-3'
Protein context (NP_006522.2, residues 14-34): DDLYSGYNDY[Asn24Ser]PIYDIEELEN

ClinVar aggregate classification (germline): Uncertain significance. Review status: criteria provided, multiple submitters, no conflicts (2 of 4 stars). 2 submissions from 2 submitters: Uncertain significance (2). Last evaluated 2023-09-20.

Allele frequency attached by ClinVar (database versions not stated): gnomAD exomes below 0.00001; TOPMed below 0.00001; gnomAD 0.00003.

Submissions (2):

Ambry Genetics
Classification: Uncertain significance. Last evaluated: 2023-09-20. Review status: criteria provided, single submitter. Criteria: Ambry Variant Classification Scheme 2023. Collection method: clinical testing. Allele origin: germline.

Labcorp Genetics (formerly Invitae), Labcorp
Classification: Uncertain significance. Last evaluated: 2023-08-18. Review status: criteria provided, single submitter. Criteria: Invitae Variant Classification Sherloc (09022015). Collection method: clinical testing. Allele origin: germline.
Comment: In summary, the available evidence is currently insufficient to determine the role of this variant in disease. Therefore, it has been classified as a Variant of Uncertain Significance. An algorithm developed to predict the effect of missense changes on protein structure and function (PolyPhen-2) suggests that this variant is likely to be disruptive. This variant has not been reported in the literature in individuals affected with IFT88-related conditions. This variant is present in population databases (no rsID available, gnomAD 0.03%). This sequence change replaces asparagine, which is neutral and polar, with serine, which is neutral and polar, at codon 33 of the IFT88 protein (p.Asn33Ser).